The following is an entry in ClinVar:

ClinVar aggregate classification (germline): Benign. Review status: criteria provided, single submitter (1 of 4 stars). 2 submissions from 2 submitters: Benign (1). 1 of the submissions does not count toward it. Last evaluated 2022-05-04.

Conditions:
Familial cancer of breast. Also called: BREAST CANCER, FAMILIAL; Hereditary breast cancer; hereditary breast carcinoma. Identifiers: Orphanet 227535, MedGen C0346153, MONDO:0016419, OMIM 114480. Disease mechanism: loss of function.

Submissions (2):

Mendelics
Classification: Benign. Last evaluated: 2022-05-04. Review status: criteria provided, single submitter. Criteria: Mendelics Assertion Criteria 2019. Collection method: clinical testing. Allele origin: germline.

Department of Zoology Govt. MVM College
Classification: Likely pathogenic for Familial cancer of breast. Review status: no assertion criteria provided. Collection method: not provided. Allele origin: unknown. Not counted in ClinVar's aggregate classification.
Comment: KM270516
ClinVar note: Converted during submission from probable-pathogenic to Likely pathogenic.

NC_012920.1(MT-CYB):m.15349C>T

Gene: MT-CYB (mitochondrially encoded cytochrome b; plus strand).
Variant type: single nucleotide variant.
Genome position: chrM-15349-C-T.
Identifiers: ClinVar variation 143885 (VCV000143885.4), dbSNP rs527236201, ClinGen allele CA270613.